The following is an entry in ClinVar:

NM_015409.5(EP400):c.5584+6C>T

Gene: EP400 (E1A binding protein p400; plus strand). Cytogenetic location: 12q24.33.
Variant type: single nucleotide variant.
Coding change: c.5584+6C>T on transcript NM_015409.5 (MANE Select); 6 bases into the intron after coding-DNA position 5584, C replaced by T.
Molecular consequence: intron variant.
Genome position (GRCh38, 1-based): chr12:132,029,909, C>T. VCF-style: chr12-132029909-C-T. GRCh37 (hg19) VCF-style: chr12-132514454-C-T.
Identifiers: ClinVar variation 3060393 (VCV003060393.2), dbSNP rs79985228, ClinGen allele CA6886086.

ClinVar aggregate classification (germline): Benign (0 of 4 stars; one submission).

Conditions:
EP400-related disorder. Also called: EP400-related condition.

Allele frequency attached by ClinVar (database versions not stated): 1000 Genomes Project 30x 0.01374; 1000 Genomes Project 0.01418; TOPMed 0.02930; gnomAD 0.03041; ESP Exome Variant Server 0.03129; ExAC 0.03273.
gnomAD v4.1: 64,180 of 1,611,788 alleles (4%); highest among the groups gnomAD compares: Middle Eastern, 5.2%; 1,492 homozygotes.

Submission:

PreventionGenetics, part of Exact Sciences
Classification: Benign for EP400-related condition. Last evaluated: 2019-10-21. Review status: no assertion criteria provided. Collection method: clinical testing. Allele origin: germline.
Comment: This variant is classified as benign based on ACMG/AMP sequence variant interpretation guidelines (Richards et al. 2015 PMID: 25741868, with internal and published modifications).